The following is an entry in ClinVar:

NM_020631.6(PLEKHG5):c.1284C>G (p.Phe428Leu)

Gene: PLEKHG5 (pleckstrin homology and RhoGEF domain containing G5; minus strand). Cytogenetic location: 1p36.31.
Variant type: single nucleotide variant.
Coding change: c.1284C>G on transcript NM_020631.6 (MANE Select); coding-DNA position 1284, C replaced by G.
Protein change: p.Phe428Leu; replaces phenylalanine 428 with leucine.
Molecular consequence: missense variant.
Genome position (GRCh38, 1-based): chr1:6,471,098, G>C on the plus strand (C>G on the coding strand, the complement: PLEKHG5 is on the minus strand). VCF-style: chr1-6471098-G-C. GRCh37 (hg19) VCF-style: chr1-6531158-G-C.
Other names: c.1395C>G, p.Phe465Leu (NM_001042663.3, NM_001265592.2); c.1284C>G, p.Phe428Leu (NM_001042664.2, NM_001042665.2, NM_001265594.3 and 1 more transcripts); c.1491C>G, p.Phe497Leu (NM_001265593.2); short protein forms F465L, F497L, F428L.
Identifiers: ClinVar variation 1768565 (VCV001768565.2), dbSNP rs1222344225, ClinGen allele CA338128542.
Genomic context (GRCh38, chr1:6,471,098, plus strand): 5'-GTACTCCATGCAGCCCTCCTCCTCCATGCAGTAGCGGATGTAGGGCTTGAAGAGCGAGCC[G>C]AACTGGCCCGGGGCAGAACAACCACGGCGCCGGTTACCGCGCGCTCCCTGCGGGCCGGCC-3'
Protein context (NP_065682.2, residues 418-438): PGDFLKGFKM[Phe428Leu]GSLFKPYIRY

ClinVar aggregate classification (germline): Uncertain significance (1 of 4 stars; one submission).

Conditions:
Inborn genetic diseases. Identifiers: MedGen C0950123, MeSH D030342.

Submission:

Ambry Genetics
Classification: Uncertain significance for Inborn genetic diseases. Last evaluated: 2020-06-10. Review status: criteria provided, single submitter. Criteria: Ambry Variant Classification Scheme 2023. Collection method: clinical testing. Allele origin: germline.
Comment: The p.F428L variant (also known as c.1284C>G), located in coding exon 12 of the PLEKHG5 gene, results from a C to G substitution at nucleotide position 1284. The phenylalanine at codon 428 is replaced by leucine, an amino acid with highly similar properties. This amino acid position is highly conserved in available vertebrate species. In addition, the in silico prediction for this alteration is inconclusive. Since supporting evidence is limited at this time, the clinical significance of this alteration remains unclear.